The following is an entry in ClinVar:

ClinVar aggregate classification (germline): Uncertain significance (1 of 4 stars; one submission).

gnomAD v4.1: 1 of 1,490,014 alleles (0.000067%); highest among the groups gnomAD compares: South Asian, 0.0013%; no homozygotes.

Submission:

Labcorp Genetics (formerly Invitae), Labcorp
Classification: Uncertain significance. Last evaluated: 2022-11-15. Review status: criteria provided, single submitter. Criteria: Invitae Variant Classification Sherloc (09022015). Collection method: clinical testing. Allele origin: germline.
Comment: This sequence change replaces leucine, which is neutral and non-polar, with glutamine, which is neutral and polar, at codon 319 of the CDK13 protein (p.Leu319Gln). This variant is not present in population databases (gnomAD no frequency). In summary, the available evidence is currently insufficient to determine the role of this variant in disease. Therefore, it has been classified as a Variant of Uncertain Significance. Advanced modeling of protein sequence and biophysical properties (such as structural, functional, and spatial information, amino acid conservation, physicochemical variation, residue mobility, and thermodynamic stability) performed at Invitae indicates that this missense variant is not expected to disrupt CDK13 protein function. This variant has not been reported in the literature in individuals affected with CDK13-related conditions.

NM_003718.5(CDK13):c.956T>A (p.Leu319Gln)

Gene: CDK13 (cyclin dependent kinase 13; plus strand). Cytogenetic location: 7p14.1.
Variant type: single nucleotide variant.
Coding change: c.956T>A on transcript NM_003718.5 (MANE Select); coding-DNA position 956, T replaced by A.
Protein change: p.Leu319Gln; replaces leucine 319 with glutamine.
Molecular consequence: missense variant.
Genome position (GRCh38, 1-based): chr7:39,951,597, T>A. VCF-style: chr7-39951597-T-A. GRCh37 (hg19) VCF-style: chr7-39991196-T-A.
Other names: c.956T>A, p.Leu319Gln (NM_031267.4); short protein forms L319Q.
Identifiers: ClinVar variation 1716303 (VCV001716303.5), dbSNP rs1362374699, ClinGen allele CA367310975.